The following is an entry in ClinVar:

NM_000043.6(FAS):c.141G>A (p.Gln47=)

Gene: FAS (Fas cell surface death receptor; plus strand). Cytogenetic location: 10q23.31.
Variant type: single nucleotide variant.
Coding change: c.141G>A on transcript NM_000043.6 (MANE Select); coding-DNA position 141, G replaced by A.
Protein change: p.Gln47=; no amino-acid change (glutamine 47 retained).
Molecular consequence: synonymous variant. On other transcripts: non-coding transcript variant (7).
Genome position (GRCh38, 1-based): chr10:89,003,139, G>A. VCF-style: chr10-89003139-G-A. GRCh37 (hg19) VCF-style: chr10-90762896-G-A.
Other names: p.Gln47=; c.141G>A, p.Gln47= (NM_001320619.2, NM_152871.4, NM_152872.4).
Identifiers: ClinVar variation 301525 (VCV000301525.17), dbSNP rs3218621, ClinGen allele CA5593036.

ClinVar aggregate classification (germline): Benign. Review status: criteria provided, multiple submitters, no conflicts (2 of 4 stars). 7 submissions from 7 submitters: Benign (7). Last evaluated 2026-02-01.

Conditions:
Meniere disease. Also called: Ménière's disease. Identifiers: MedGen C0025281, MONDO:0007972, OMIM 156000.
Autoimmune lymphoproliferative syndrome type 1. Also called: AUTOIMMUNE LYMPHOPROLIFERATIVE SYNDROME, TYPE I, AUTOSOMAL DOMINANT. Identifiers: Orphanet 3261, MedGen C2717884, MONDO:0011158, OMIM 601859.

Allele frequency attached by ClinVar (database versions not stated): gnomAD exomes 0.00194 and 0.00520; ExAC 0.00621; 1000 Genomes Project 0.01937; gnomAD 0.02019 and 0.02156; ESP Exome Variant Server 0.02214; 1000 Genomes Project 30x 0.02233; TOPMed 0.02285.
gnomAD v4.1: 6,050 of 1,614,160 alleles (0.37%); highest among the groups gnomAD compares: African/African-American, 6.9%; 190 homozygotes.

Submissions (7):

Labcorp Genetics (formerly Invitae), Labcorp
Classification: Benign for Autoimmune lymphoproliferative syndrome. Last evaluated: 2026-02-01. Review status: criteria provided, single submitter. Criteria: Invitae Variant Classification Sherloc (09022015). Collection method: clinical testing. Allele origin: germline.

Women's Health and Genetics/Laboratory Corporation of America, LabCorp
Classification: Benign. Last evaluated: 2026-01-22. Review status: criteria provided, single submitter. Criteria: LabCorp Variant Classification Summary - May 2015. Collection method: clinical testing. Allele origin: germline.

Meniere Disease Neuroscience Research Program, Faculty of Medicine and Health, Kolling Institute, The University of Sydney
Classification: Benign for Meniere disease. Last evaluated: 2025-12-27. Review status: criteria provided, single submitter. Criteria: ClinGen HL ACMG Specifications v1. Collection method: research. Allele origin: germline. Affected: yes.
Comment: The chr10:89003139G>A is a missense variant in the FAS gene that has been found in two individual of Non-Finnish European ancestry with definite bilateral Menière's Disease. This variant has an amino acid change at p.Ile122Thr. These two indivialsshares mutation chr10:89008919C>T in the FAS gene.

Mayo Clinic Laboratories, Mayo Clinic
Classification: Benign. Last evaluated: 2024-02-08. Review status: criteria provided, single submitter. Criteria: ACMG Guidelines, 2015. Collection method: clinical testing. Allele origin: germline. Observed: 4 variant alleles.

Illumina Laboratory Services, Illumina
Classification: Benign for Autoimmune lymphoproliferative syndrome type 1. Last evaluated: 2018-01-13. Review status: criteria provided, single submitter. Criteria: ICSL Variant Classification Criteria 13 December 2019. Collection method: clinical testing. Allele origin: germline.
Comment: This variant was observed in the ICSL laboratory as part of a predisposition screen in an ostensibly healthy population. It had not been previously curated by ICSL or reported in the Human Gene Mutation Database (HGMD: prior to June 1st, 2018), and was therefore a candidate for classification through an automated scoring system. Utilizing variant allele frequency, disease prevalence and penetrance estimates, and inheritance mode, an automated score was calculated to assess if this variant is too frequent to cause the disease. Based on the score and internal cut-off values, a variant classified as benign is not then subjected to further curation. The score for this variant resulted in a classification of benign for this disease.

GeneDx
Classification: Benign. Last evaluated: 2015-04-10. Review status: criteria provided, single submitter. Criteria: GeneDx Variant Classification (06012015). Collection method: clinical testing. Allele origin: germline. Affected: yes.
Comment: This variant is considered likely benign or benign based on one or more of the following criteria: it is a conservative change, it occurs at a poorly conserved position in the protein, it is predicted to be benign by multiple in silico algorithms, and/or has population frequency not consistent with disease.

Breakthrough Genomics
Classification: Benign. Review status: criteria provided, single submitter. Criteria: ACMG Guidelines, 2015. Collection method: not provided. Allele origin: germline. Inheritance: Autosomal dominant inheritance. Affected: yes.